The following is an entry in ClinVar:

NM_000441.2(SLC26A4):c.598C>T (p.Gln200Ter)

Gene: SLC26A4 (solute carrier family 26 member 4; plus strand). Cytogenetic location: 7q22.3.
Variant type: single nucleotide variant.
Coding change: c.598C>T on transcript NM_000441.2 (MANE Select); coding-DNA position 598, C replaced by T.
Protein change: p.Gln200Ter; replaces glutamine 200 with a stop codon.
Molecular consequence: nonsense.
Genome position (GRCh38, 1-based): chr7:107,674,346, C>T. VCF-style: chr7-107674346-C-T. GRCh37 (hg19) VCF-style: chr7-107314791-C-T.
Other names: short protein forms Q200*.
Identifiers: ClinVar variation 2678928 (VCV002678928.4), dbSNP rs2535296624, ClinGen allele CA368848455.

ClinVar aggregate classification (germline): Pathogenic/Likely pathogenic. Review status: criteria provided, multiple submitters, no conflicts (2 of 4 stars). 2 submissions from 2 submitters: Pathogenic (1); Likely pathogenic (1). Last evaluated 2023-09-08.

Conditions:
Autosomal recessive nonsyndromic hearing loss 4 (DFNB4). Also called: Deafness, autosomal recessive 4; Enlarged vestibular aqueduct, digenic; NEUROSENSORY NONSYNDROMIC RECESSIVE DEAFNESS 4; Nonsyndromic enlarged vestibular aqueduct (NSEVA); FOXI1-Related Pendred Syndrome; KCNJ10-Related Pendred Syndrome. Identifiers: Orphanet 90636, MedGen C3538946, MONDO:0010933, OMIM 600791.

Allele frequency attached by ClinVar (database versions not stated): gnomAD exomes below 0.00001.

Submissions (2):

Labcorp Genetics (formerly Invitae), Labcorp
Classification: Pathogenic. Last evaluated: 2023-09-08. Review status: criteria provided, single submitter. Criteria: Invitae Variant Classification Sherloc (09022015). Collection method: clinical testing. Allele origin: germline.
Comment: For these reasons, this variant has been classified as Pathogenic. Algorithms developed to predict the effect of sequence changes on RNA splicing suggest that this variant may disrupt the consensus splice site. This variant has not been reported in the literature in individuals affected with SLC26A4-related conditions. This variant is not present in population databases (gnomAD no frequency). This sequence change creates a premature translational stop signal (p.Gln200*) in the SLC26A4 gene. It is expected to result in an absent or disrupted protein product. Loss-of-function variants in SLC26A4 are known to be pathogenic (PMID: 16283880, 25394566, 26252218, 26445815).

Baylor Genetics
Classification: Likely pathogenic for Autosomal recessive nonsyndromic hearing loss 4. Last evaluated: 2023-01-21. Review status: criteria provided, single submitter. Criteria: ACMG Guidelines, 2015. Collection method: clinical testing. Allele origin: unknown.

Literature cited by the submitters: PubMed 16283880 (cited by Labcorp Genetics (formerly Invitae), Labcorp); PubMed 25394566 (cited by Labcorp Genetics (formerly Invitae), Labcorp); PubMed 26252218 (cited by Labcorp Genetics (formerly Invitae), Labcorp); PubMed 26445815 (cited by Labcorp Genetics (formerly Invitae), Labcorp).